The following is an entry in ClinVar:

NM_000593.6(TAP1):c.1852A>G (p.Lys618Glu)

Gene: TAP1 (transporter 1, ATP binding cassette subfamily B member; minus strand). Cytogenetic location: 6p21.32.
Variant type: single nucleotide variant.
Coding change: c.1852A>G on transcript NM_000593.6 (MANE Select); coding-DNA position 1852, A replaced by G.
Protein change: p.Lys618Glu; replaces lysine 618 with glutamic acid.
Molecular consequence: missense variant.
Genome position (GRCh38, 1-based): chr6:32,847,564, T>C on the plus strand (A>G on the coding strand, the complement: TAP1 is on the minus strand). VCF-style: chr6-32847564-T-C. GRCh37 (hg19) VCF-style: chr6-32815341-T-C.
Other names: c.1249A>G, p.Lys417Glu (NM_001292022.2); short protein forms K417E, K618E.
Identifiers: ClinVar variation 1356457 (VCV001356457.8), dbSNP rs2127387053, ClinGen allele CA363591082.

ClinVar aggregate classification (germline): Uncertain significance (1 of 4 stars; one submission).

Conditions:
MHC class I deficiency. Identifiers: Orphanet 34592, MedGen C6024714, MONDO:0011476.

Allele frequency attached by ClinVar (database versions not stated): gnomAD exomes below 0.00001.
gnomAD v4.1: 3 of 1,613,990 alleles (0.00019%); highest among the groups gnomAD compares: Non-Finnish European, 0.00025%; no homozygotes.

Submission:

Labcorp Genetics (formerly Invitae), Labcorp
Classification: Uncertain significance for MHC class I deficiency 1. Last evaluated: 2024-02-05. Review status: criteria provided, single submitter. Criteria: Invitae Variant Classification Sherloc (09022015). Collection method: clinical testing. Allele origin: germline.
Comment: This sequence change replaces lysine, which is basic and polar, with glutamic acid, which is acidic and polar, at codon 678 of the TAP1 protein (p.Lys678Glu). This variant is not present in population databases (gnomAD no frequency). This variant has not been reported in the literature in individuals affected with TAP1-related conditions. ClinVar contains an entry for this variant (Variation ID: 1356457). Algorithms developed to predict the effect of missense changes on protein structure and function output the following: SIFT: "Not Available"; PolyPhen-2: "Benign"; Align-GVGD: "Not Available". The glutamic acid amino acid residue is found in multiple mammalian species, which suggests that this missense change does not adversely affect protein function. In summary, the available evidence is currently insufficient to determine the role of this variant in disease. Therefore, it has been classified as a Variant of Uncertain Significance.